The following is an entry in ClinVar:

NM_001031709.3(RNLS):c.677T>C (p.Ile226Thr)

Gene: RNLS (renalase, FAD dependent amine oxidase; minus strand). Cytogenetic location: 10q23.31.
Variant type: single nucleotide variant.
Coding change: c.677T>C on transcript NM_001031709.3 (MANE Select); coding-DNA position 677, T replaced by C.
Protein change: p.Ile226Thr; replaces isoleucine 226 with threonine.
Molecular consequence: missense variant.
Genome position (GRCh38, 1-based): chr10:88,362,575, A>G on the plus strand (T>C on the coding strand, the complement: RNLS is on the minus strand). VCF-style: chr10-88362575-A-G. GRCh37 (hg19) VCF-style: chr10-90122332-A-G.
Other names: c.677T>C, p.Ile226Thr (NM_018363.4); c.677T>C (NM_001031709.2); short protein forms I226T.
Identifiers: ClinVar variation 1406450 (VCV001406450.7), dbSNP rs188639368, ClinGen allele CA5590419.
Genomic context (GRCh38, chr10:88,362,575, plus strand): 5'-TGTTGCTGTATTTAAGGGAAATAATAGGGGTACTGACCTATATTGCGCTTCTTATTATCA[A>G]TGGAGACGAAGCGTATGCAGGGATTACTGGTGATGTACTGCCCAGCCCAAGGGACATCAA-3'
Protein context (NP_001026879.2, residues 216-236): TSNPCIRFVS[Ile226Thr]DNKKRNIESS

ClinVar aggregate classification (germline): Uncertain significance. Review status: criteria provided, multiple submitters, no conflicts (2 of 4 stars). 2 submissions from 2 submitters: Uncertain significance (2). Last evaluated 2025-03-27.

Allele frequency attached by ClinVar (database versions not stated): ExAC 0.00015; 1000 Genomes Project 30x 0.00016; 1000 Genomes Project 0.00020; TOPMed 0.00020; gnomAD 0.00021 and 0.00023; gnomAD exomes 0.00022 and 0.00026.
gnomAD v4.1: 414 of 1,613,788 alleles (0.026%); highest among the groups gnomAD compares: Middle Eastern, 0.15%; 1 homozygote.

Submissions (2):

Labcorp Genetics (formerly Invitae), Labcorp
Classification: Uncertain significance. Last evaluated: 2025-03-27. Review status: criteria provided, single submitter. Criteria: Invitae Variant Classification Sherloc (09022015). Collection method: clinical testing. Allele origin: germline.
Comment: This sequence change replaces isoleucine, which is neutral and non-polar, with threonine, which is neutral and polar, at codon 226 of the RNLS protein (p.Ile226Thr). This variant is present in population databases (rs188639368, gnomAD 0.2%), and has an allele count higher than expected for a pathogenic variant. This variant has not been reported in the literature in individuals affected with RNLS-related conditions. ClinVar contains an entry for this variant (Variation ID: 1406450). An algorithm developed to predict the effect of missense changes on protein structure and function (PolyPhen-2) suggests that this variant is likely to be disruptive. In summary, the available evidence is currently insufficient to determine the role of this variant in disease. Therefore, it has been classified as a Variant of Uncertain Significance.

Ambry Genetics
Classification: Uncertain significance. Last evaluated: 2023-12-21. Review status: criteria provided, single submitter. Criteria: Ambry Variant Classification Scheme 2023. Collection method: clinical testing. Allele origin: germline.